The following is an entry in ClinVar:

NM_022167.4(XYLT2):c.174C>T (p.Gly58=)

Gene: XYLT2 (xylosyltransferase 2; plus strand). Cytogenetic location: 17q21.33.
Variant type: single nucleotide variant.
Coding change: c.174C>T on transcript NM_022167.4 (MANE Select); coding-DNA position 174, C replaced by T.
Protein change: p.Gly58=; no amino-acid change (glycine 58 retained).
Molecular consequence: synonymous variant.
Genome position (GRCh38, 1-based): chr17:50,353,668, C>T. VCF-style: chr17-50353668-C-T. GRCh37 (hg19) VCF-style: chr17-48431029-C-T.
Identifiers: ClinVar variation 1654629 (VCV001654629.11), dbSNP rs530027095, ClinGen allele CA8646103.

ClinVar aggregate classification (germline): Likely benign. Review status: criteria provided, multiple submitters, no conflicts (2 of 4 stars). 3 submissions from 3 submitters: Likely benign (2). 1 of the submissions does not count toward it. Last evaluated 2025-09-02.

Conditions:
XYLT2-related disorder. Also called: XYLT2-related condition.

Allele frequency attached by ClinVar (database versions not stated): gnomAD 0.00003 and 0.00009; TOPMed 0.00004; gnomAD exomes 0.00012 and 0.00027; 1000 Genomes Project 30x 0.00031; 1000 Genomes Project 0.00040; ExAC 0.00050.

Submissions (3):

Labcorp Genetics (formerly Invitae), Labcorp
Classification: Likely benign. Last evaluated: 2025-09-02. Review status: criteria provided, single submitter. Criteria: Invitae Variant Classification Sherloc (09022015). Collection method: clinical testing. Allele origin: germline.

Blueprint Genetics
Classification: Likely benign. Last evaluated: 2024-11-11. Review status: criteria provided, single submitter. Criteria: ACMG Guidelines, 2015. Collection method: clinical testing. Allele origin: germline.

PreventionGenetics, part of Exact Sciences
Classification: Likely benign for XYLT2-related condition. Last evaluated: 2022-11-26. Review status: no assertion criteria provided. Collection method: clinical testing. Allele origin: germline. Not counted in ClinVar's aggregate classification.
Comment: This variant is classified as likely benign based on ACMG/AMP sequence variant interpretation guidelines (Richards et al. 2015 PMID: 25741868, with internal and published modifications).